The following is an entry in ClinVar:

NM_152703.5(SAMD9L):c.2408A>T (p.Asp803Val)

Gene: SAMD9L (sterile alpha motif domain containing 9 like; minus strand). Cytogenetic location: 7q21.2.
Variant type: single nucleotide variant.
Coding change: c.2408A>T on transcript NM_152703.5 (MANE Select); coding-DNA position 2408, A replaced by T.
Protein change: p.Asp803Val; replaces aspartic acid 803 with valine.
Molecular consequence: missense variant.
Genome position (GRCh38, 1-based): chr7:93,133,564, T>A on the plus strand (A>T on the coding strand, the complement: SAMD9L is on the minus strand). VCF-style: chr7-93133564-T-A. GRCh37 (hg19) VCF-style: chr7-92762877-T-A.
Other names: c.2408A>T, p.Asp803Val (NM_001303496.3, NM_001303497.3, NM_001303498.3 and 5 more transcripts); short protein forms D803V.
Identifiers: ClinVar variation 4159423 (VCV004159423.1).

ClinVar aggregate classification (germline): Uncertain significance (1 of 4 stars; one submission).

Conditions:
Inborn genetic diseases. Identifiers: MedGen C0950123, MeSH D030342.

Submission:

Ambry Genetics
Classification: Uncertain significance for Inborn genetic diseases. Last evaluated: 2025-08-20. Review status: criteria provided, single submitter. Criteria: Ambry Variant Classification Scheme 2023. Collection method: clinical testing. Allele origin: germline.
Comment: The p.D803V variant (also known as c.2408A>T), located in coding exon 1 of the SAMD9L gene, results from an A to T substitution at nucleotide position 2408. The aspartic acid at codon 803 is replaced by valine, an amino acid with highly dissimilar properties. This amino acid position is conserved. In addition, this alteration is predicted to be deleterious by in silico analysis. Based on the available evidence, the clinical significance of this variant remains unclear.